The following is an entry in ClinVar:

NM_201384.3(PLEC):c.13319C>T (p.Thr4440Ile)

Gene: PLEC (plectin; minus strand). Cytogenetic location: 8q24.3.
Variant type: single nucleotide variant.
Coding change: c.13319C>T on transcript NM_201384.3 (MANE Select); coding-DNA position 13319, C replaced by T.
Protein change: p.Thr4440Ile; replaces threonine 4440 with isoleucine.
Molecular consequence: missense variant.
Genome position (GRCh38, 1-based): chr8:143,916,502, G>A on the plus strand (C>T on the coding strand, the complement: PLEC is on the minus strand). VCF-style: chr8-143916502-G-A. GRCh37 (hg19) VCF-style: chr8-144990670-G-A.
Other names: c.13400C>T, p.Thr4467Ile (NM_000445.5); c.10019C>T, p.Thr3340Ile (NM_001410941.1); c.13277C>T, p.Thr4426Ile (NM_201378.4); c.13253C>T, p.Thr4418Ile (NM_201379.3); c.13730C>T, p.Thr4577Ile (NM_201380.4); c.13223C>T, p.Thr4408Ile (NM_201381.3); c.13319C>T, p.Thr4440Ile (NM_201382.4); c.13331C>T, p.Thr4444Ile (NM_201383.3); short protein forms T3340I, T4408I, T4418I, T4426I, T4440I, T4444I, T4467I, T4577I.
Identifiers: ClinVar variation 3342866 (VCV003342866.2).

ClinVar aggregate classification (germline): Conflicting classifications of pathogenicity. Review status: criteria provided, conflicting classifications (1 of 4 stars). 2 submissions from 2 submitters: Likely pathogenic (1); Uncertain significance (1). Last evaluated 2025-06-22.

Conditions:
Inborn genetic diseases. Identifiers: MedGen C0950123, MeSH D030342.

gnomAD v4.1: 5 of 1,611,904 alleles (0.00031%); highest among the groups gnomAD compares: Non-Finnish European, 0.00042%; no homozygotes.

Submissions (2):

Ambry Genetics
Classification: Uncertain significance for Inborn genetic diseases. Last evaluated: 2025-06-22. Review status: criteria provided, single submitter. Criteria: Ambry Variant Classification Scheme 2023. Collection method: clinical testing. Allele origin: germline.

GeneDx
Classification: Likely pathogenic. Last evaluated: 2024-03-25. Review status: criteria provided, single submitter. Criteria: GeneDx Variant Classification Process June 2021. Collection method: clinical testing. Allele origin: germline. Affected: yes.
Comment: Not observed at significant frequency in large population cohorts (gnomAD); In silico analysis supports that this missense variant has a deleterious effect on protein structure/function; Has not been previously published as pathogenic or benign to our knowledge